The following is an entry in ClinVar:

ClinVar aggregate classification (germline): Likely benign. Review status: criteria provided, single submitter (1 of 4 stars). 2 submissions from 2 submitters: Likely benign (1). 1 of the submissions does not count toward it. Last evaluated 2025-09-09.

Conditions:
FZD4-related disorder. Also called: FZD4-related condition.

Submissions (2):

Labcorp Genetics (formerly Invitae), Labcorp
Classification: Likely benign. Last evaluated: 2025-09-09. Review status: criteria provided, single submitter. Criteria: Invitae Variant Classification Sherloc (09022015). Collection method: clinical testing. Allele origin: germline.

PreventionGenetics, part of Exact Sciences
Classification: Likely benign for FZD4-related condition. Last evaluated: 2022-12-08. Review status: no assertion criteria provided. Collection method: clinical testing. Allele origin: germline. Not counted in ClinVar's aggregate classification.
Comment: This variant is classified as likely benign based on ACMG/AMP sequence variant interpretation guidelines (Richards et al. 2015 PMID: 25741868, with internal and published modifications).

NM_012193.4(FZD4):c.1299G>T (p.Leu433=)

Genes: FZD4 (frizzled class receptor 4; minus strand), PRSS23 (serine protease 23; plus strand). Cytogenetic location: 11q14.2.
Variant type: single nucleotide variant.
Coding change: c.1299G>T on transcript NM_012193.4 (MANE Select); coding-DNA position 1299, G replaced by T.
Protein change: p.Leu433=; no amino-acid change (leucine 433 retained).
Molecular consequence: synonymous variant. On other transcripts: non-coding transcript variant (2).
Genome position (GRCh38, 1-based): chr11:86,951,457, C>A on the plus strand (G>T on the coding strand, the complement: FZD4 is on the minus strand). VCF-style: chr11-86951457-C-A. GRCh37 (hg19) VCF-style: chr11-86662499-C-A.
Identifiers: ClinVar variation 3047073 (VCV003047073.4), dbSNP rs1949291436, ClinGen allele CA476144389.
Genomic context (GRCh38, chr11:86,951,457, plus strand): 5'-GGCAATCACACACGTTGCAGGAACTGTGTACAGTACTGAGAACACCCCAATCTTGACCAT[C>A]AGTCTTTCTAACTTGTCTGTCTTTGTCCCATCCTTTTGAAGATTTGACCGAATTTTGAAC-3'
Protein context (NP_036325.2, residues 423-443): DGTKTDKLER[Leu433=]MVKIGVFSVL